The following is an entry in ClinVar:

ClinVar aggregate classification (germline): Uncertain significance (1 of 4 stars; one submission).

Conditions:
Muscular dystrophy-dystroglycanopathy (congenital with brain and eye anomalies), type a, 11 (MDDGA11). Also called: Muscular dystrophy-dystroglycanopathy (congenital with brain and eye anomalies, type A, 11; Congenital muscular dystrophy-dystroglycanopathy with brain and eye anomalies, type A11; WALKER-WARBURG SYNDROME OR MUSCLE-EYE-BRAIN DISEASE, B3GALNT2-RELATED. Identifiers: Orphanet 588, Orphanet 899, MedGen C3554638, MONDO:0014071, OMIM 615181.

Allele frequency attached by ClinVar (database versions not stated): gnomAD exomes below 0.00001; TOPMed below 0.00001; gnomAD 0.00001.
gnomAD v4.1: 5 of 1,572,464 alleles (0.00032%); highest among the groups gnomAD compares: Non-Finnish European, 0.00043%; no homozygotes.

Submission:

Labcorp Genetics (formerly Invitae), Labcorp
Classification: Uncertain significance for Muscular dystrophy-dystroglycanopathy (congenital with brain and eye anomalies), type a, 11. Last evaluated: 2021-08-10. Review status: criteria provided, single submitter. Criteria: Invitae Variant Classification Sherloc (09022015). Collection method: clinical testing. Allele origin: germline.
Comment: This variant is not present in population databases (ExAC no frequency). This variant has not been reported in the literature in individuals with B3GALNT2-related conditions. Algorithms developed to predict the effect of sequence changes on RNA splicing suggest that this variant may disrupt the consensus splice site, but this prediction has not been confirmed by published transcriptional studies. In summary, the available evidence is currently insufficient to determine the role of this variant in disease. Therefore, it has been classified as a Variant of Uncertain Significance. This sequence change falls in intron 7 of the B3GALNT2 gene. It does not directly change the encoded amino acid sequence of the B3GALNT2 protein.

NM_152490.5(B3GALNT2):c.842-6T>G

Gene: B3GALNT2 (beta-1,3-N-acetylgalactosaminyltransferase 2; minus strand). Cytogenetic location: 1q42.3.
Variant type: single nucleotide variant.
Coding change: c.842-6T>G on transcript NM_152490.5 (MANE Select); 6 bases into the intron before coding-DNA position 842, T replaced by G.
Molecular consequence: intron variant.
Genome position (GRCh38, 1-based): chr1:235,458,792, A>C on the plus strand (T>G on the coding strand, the complement: B3GALNT2 is on the minus strand). VCF-style: chr1-235458792-A-C. GRCh37 (hg19) VCF-style: chr1-235622100-A-C.
Identifiers: ClinVar variation 1497355 (VCV001497355.7), dbSNP rs1187623137, ClinGen allele CA733106818.